The following is an entry in ClinVar:

ClinVar aggregate classification (germline): Uncertain significance (1 of 4 stars; one submission).

Conditions:
Blau syndrome (BLAUS). Also called: GRANULOMATOSIS, FAMILIAL JUVENILE SYSTEMIC; GRANULOMATOSIS, FAMILIAL, BLAU TYPE; GRANULOMATOUS INFLAMMATORY ARTHRITIS, DERMATITIS, AND UVEITIS, FAMILIAL; JABS SYNDROME; ARTHROCUTANEOUVEAL GRANULOMATOSIS. Identifiers: Orphanet 90340, MedGen C5201146, MONDO:0008523, OMIM 186580.
Regional enteritis. Also called: Enteritis, Granulomatous. Identifiers: MedGen C0678202, MeSH D003424.

Allele frequency attached by ClinVar (database versions not stated): gnomAD exomes 0.00002 and 0.00005; TOPMed 0.00003; ExAC 0.00004; gnomAD 0.00005 and 0.00007; 1000 Genomes Project 0.00020; 1000 Genomes Project 30x 0.00031.
gnomAD v4.1: 41 of 1,612,836 alleles (0.0025%); highest among the groups gnomAD compares: African/African-American, 0.008%; no homozygotes.

Submission:

Labcorp Genetics (formerly Invitae), Labcorp
Classification: Uncertain significance for Regional enteritis; Blau syndrome. Last evaluated: 2025-11-24. Review status: criteria provided, single submitter. Criteria: Invitae Variant Classification Sherloc (09022015). Collection method: clinical testing. Allele origin: germline.
Comment: This sequence change replaces arginine, which is basic and polar, with cysteine, which is neutral and slightly polar, at codon 543 of the NOD2 protein (p.Arg543Cys). This variant is present in population databases (rs545580252, gnomAD 0.01%). This variant has not been reported in the literature in individuals affected with NOD2-related conditions. ClinVar contains an entry for this variant (Variation ID: 863158). Invitae Evidence Modeling of protein sequence and biophysical properties (such as structural, functional, and spatial information, amino acid conservation, physicochemical variation, residue mobility, and thermodynamic stability) indicates that this missense variant is not expected to disrupt NOD2 protein function with a negative predictive value of 95%. In summary, the available evidence is currently insufficient to determine the role of this variant in disease. Therefore, it has been classified as a Variant of Uncertain Significance.

NM_001370466.1(NOD2):c.1546C>T (p.Arg516Cys)

Gene: NOD2 (nucleotide binding oligomerization domain containing 2; plus strand). Cytogenetic location: 16q12.1.
Variant type: single nucleotide variant.
Coding change: c.1546C>T on transcript NM_001370466.1 (MANE Select); coding-DNA position 1546, C replaced by T.
Protein change: p.Arg516Cys; replaces arginine 516 with cysteine.
Molecular consequence: missense variant. On other transcripts: non-coding transcript variant (1).
Genome position (GRCh38, 1-based): chr16:50,711,538, C>T. VCF-style: chr16-50711538-C-T. GRCh37 (hg19) VCF-style: chr16-50745449-C-T.
Other names: c.1546C>T, p.Arg516Cys (NM_001293557.2); c.1627C>T, p.Arg543Cys (NM_022162.3); short protein forms R543C, R516C.
Identifiers: ClinVar variation 863158 (VCV000863158.10), dbSNP rs545580252, ClinGen allele CA8051597.
Genomic context (GRCh38, chr16:50,711,538, plus strand): 5'-CTGCATGCCACCCCCCCAGACTCAGCTTCCCAAGGTCTGGGACCCAGTCTTCTTCGGGGC[C>T]GCCTCCCCACCCTCCTGCACCTGGGCAGACTGGCTCTGTGGGGCCTGGGCATGTGCTGCT-3'
Protein context (NP_001357395.1, residues 506-526): QGLGPSLLRG[Arg516Cys]LPTLLHLGRL